The following is an entry in ClinVar:

ClinVar aggregate classification (germline): Conflicting classifications of pathogenicity. Review status: criteria provided, conflicting classifications (1 of 4 stars). 3 submissions from 3 submitters: Uncertain significance (1); Benign (1); Likely benign (1). Last evaluated 2025-12-02.

Conditions:
Pitt-Hopkins-like syndrome 2 (PTHSL2). Identifiers: Orphanet 221150, Orphanet 600663, MedGen C3280479, MONDO:0013690, OMIM 614325.
Inborn genetic diseases. Identifiers: MedGen C0950123, MeSH D030342.

Allele frequency attached by ClinVar (database versions not stated): gnomAD exomes 0.00002 and 0.00020; gnomAD 0.00009; TOPMed 0.00012; ExAC 0.00029.
gnomAD v4.1: 45 of 1,404,892 alleles (0.0032%); highest among the groups gnomAD compares: East Asian, 0.09%; no homozygotes.

Submissions (3):

Labcorp Genetics (formerly Invitae), Labcorp
Classification: Benign for Pitt-Hopkins-like syndrome 2. Last evaluated: 2025-12-02. Review status: criteria provided, single submitter. Criteria: Invitae Variant Classification Sherloc (09022015). Collection method: clinical testing. Allele origin: germline.

Ambry Genetics
Classification: Uncertain significance for Inborn genetic diseases. Last evaluated: 2018-09-21. Review status: criteria provided, single submitter. Criteria: Ambry Variant Classification Scheme 2023. Collection method: clinical testing. Allele origin: germline.
Comment: The c.920-4A>G intronic variant results from an A to G substitution 4 nucleotides upstream from coding exon 5 in the NRXN1 gene. This nucleotide position is highly conserved in available vertebrate species. Using the BDGP and ESEfinder splice site prediction tools, this alteration is not predicted to have any significant effect on this splice acceptor/donor site; however, direct evidence is unavailable. Since supporting evidence is limited at this time, the clinical significance of this alteration remains unclear.

GeneDx
Classification: Likely benign. Last evaluated: 2018-05-23. Review status: criteria provided, single submitter. Criteria: GeneDx Variant Classification (06012015). Collection method: clinical testing. Allele origin: germline. Affected: yes.
Comment: This variant is considered likely benign or benign based on one or more of the following criteria: it is a conservative change, it occurs at a poorly conserved position in the protein, it is predicted to be benign by multiple in silico algorithms, and/or has population frequency not consistent with disease.

NM_001330078.2(NRXN1):c.821-4A>G

Gene: NRXN1 (neurexin 1; minus strand). Cytogenetic location: 2p16.3.
Variant type: single nucleotide variant.
Coding change: c.821-4A>G on transcript NM_001330078.2 (MANE Select); 4 bases into the intron before coding-DNA position 821, A replaced by G.
Molecular consequence: intron variant.
Genome position (GRCh38, 1-based): chr2:50,921,884, T>C on the plus strand (A>G on the coding strand, the complement: NRXN1 is on the minus strand). VCF-style: chr2-50921884-T-C. GRCh37 (hg19) VCF-style: chr2-51149022-T-C.
Other names: c.772+105618A>G (NM_001330096.2, NM_001330087.2, NM_001330083.2 and 1 more transcripts); c.802+774A>G (NM_001330088.2); c.818-4A>G (NM_001330093.2, NM_001330079.2); c.820+774A>G (NM_001330094.2); c.821-4A>G (NM_001330095.2, NM_001330082.2, NM_001330077.2 and 5 more transcripts); c.920-4A>G (NM_001135659.3).
Identifiers: ClinVar variation 668535 (VCV000668535.11), dbSNP rs768708962, ClinGen allele CA1655276.